The following is an entry in ClinVar:

NM_025137.4(SPG11):c.3713A>G (p.Tyr1238Cys)

Gene: SPG11 (SPG11 vesicle trafficking associated, spatacsin; minus strand). Cytogenetic location: 15q21.1.
Variant type: single nucleotide variant.
Coding change: c.3713A>G on transcript NM_025137.4 (MANE Select); coding-DNA position 3713, A replaced by G.
Protein change: p.Tyr1238Cys; replaces tyrosine 1238 with cysteine.
Molecular consequence: missense variant.
Genome position (GRCh38, 1-based): chr15:44,598,810, T>C on the plus strand (A>G on the coding strand, the complement: SPG11 is on the minus strand). VCF-style: chr15-44598810-T-C. GRCh37 (hg19) VCF-style: chr15-44891008-T-C.
Other names: c.3713A>G, p.Tyr1238Cys (NM_001160227.2); short protein forms Y1238C.
Identifiers: ClinVar variation 1046780 (VCV001046780.7), dbSNP rs150720530, ClinGen allele CA270092836.

ClinVar aggregate classification (germline): Uncertain significance (1 of 4 stars; one submission).

Conditions:
Hereditary spastic paraplegia 11. Also called: Spastic paraplegia, mental retardation and thin corpus callosum; SPASTIC PARAPLEGIA, AUTOSOMAL RECESSIVE, COMPLICATED, WITH THIN CORPUS CALLOSUM; SPASTIC PARAPLEGIA, AUTOSOMAL RECESSIVE, WITH MENTAL IMPAIRMENT AND THIN CORPUS CALLOSUM; Spastic Paraplegia 11; Nakamura Osame syndrome; Autosomal recessive hereditary spastic paraplegia, mental impairment, and thin corpus callosum. Identifiers: Orphanet 2822, MedGen C1858479, MONDO:0011445, OMIM 604360.

Allele frequency attached by ClinVar (database versions not stated): gnomAD exomes below 0.00001 and 0.00001; TOPMed below 0.00001; gnomAD 0.00001 and 0.00002; 1000 Genomes Project 30x 0.00031; 1000 Genomes Project 0.00040.
gnomAD v4.1: 5 of 1,614,154 alleles (0.00031%); highest among the groups gnomAD compares: East Asian, 0.0045%; no homozygotes.

Submission:

Labcorp Genetics (formerly Invitae), Labcorp
Classification: Uncertain significance for Hereditary spastic paraplegia 11. Last evaluated: 2022-06-29. Review status: criteria provided, single submitter. Criteria: Invitae Variant Classification Sherloc (09022015). Collection method: clinical testing. Allele origin: germline.
Comment: In summary, the available evidence is currently insufficient to determine the role of this variant in disease. Therefore, it has been classified as a Variant of Uncertain Significance. Algorithms developed to predict the effect of missense changes on protein structure and function are either unavailable or do not agree on the potential impact of this missense change (SIFT: "Deleterious"; PolyPhen-2: "Benign"; Align-GVGD: "Class C15"). ClinVar contains an entry for this variant (Variation ID: 1046780). This variant has not been reported in the literature in individuals affected with SPG11-related conditions. This variant is not present in population databases (gnomAD no frequency). This sequence change replaces tyrosine, which is neutral and polar, with cysteine, which is neutral and slightly polar, at codon 1238 of the SPG11 protein (p.Tyr1238Cys).